The following is an entry in ClinVar:

ClinVar aggregate classification (germline): Likely benign. Review status: criteria provided, multiple submitters, no conflicts (2 of 4 stars). 2 submissions from 2 submitters: Likely benign (2). Last evaluated 2026-04-01.

Allele frequency attached by ClinVar (database versions not stated): gnomAD 0.00003 and 0.00005; gnomAD exomes 0.00003 and 0.00011; ExAC 0.00009; TOPMed 0.00010.
gnomAD v4.1: 46 of 1,614,128 alleles (0.0028%); highest among the groups gnomAD compares: Admixed American, 0.055%; no homozygotes.

Submissions (2):

CeGaT Center for Human Genetics Tuebingen
Classification: Likely benign. Last evaluated: 2026-04-01. Review status: criteria provided, single submitter. Criteria: CeGaT Center For Human Genetics Tuebingen Variant Classification Criteria Version 2. Collection method: clinical testing. Allele origin: germline. Affected: yes. Observed: 1 variant allele.
Comment: MTOR: BP4, BP7

Labcorp Genetics (formerly Invitae), Labcorp
Classification: Likely benign. Last evaluated: 2026-01-27. Review status: criteria provided, single submitter. Criteria: Invitae Variant Classification Sherloc (09022015). Collection method: clinical testing. Allele origin: germline.

NM_004958.4(MTOR):c.1296G>A (p.Ala432=)

Gene: MTOR (mechanistic target of rapamycin kinase; minus strand). Cytogenetic location: 1p36.22.
Variant type: single nucleotide variant.
Coding change: c.1296G>A on transcript NM_004958.4 (MANE Select); coding-DNA position 1296, G replaced by A.
Protein change: p.Ala432=; no amino-acid change (alanine 432 retained).
Molecular consequence: synonymous variant.
Genome position (GRCh38, 1-based): chr1:11,243,230, C>T on the plus strand (G>A on the coding strand, the complement: MTOR is on the minus strand). VCF-style: chr1-11243230-C-T. GRCh37 (hg19) VCF-style: chr1-11303287-C-T.
Identifiers: ClinVar variation 700556 (VCV000700556.12), dbSNP rs764242916, ClinGen allele CA590760.